The following is an entry in ClinVar:

ClinVar aggregate classification (germline): Pathogenic. Review status: criteria provided, multiple submitters, no conflicts (2 of 4 stars). 3 submissions from 3 submitters: Pathogenic (3). Last evaluated 2025-10-29.

Conditions:
Frontotemporal dementia and/or amyotrophic lateral sclerosis 1 (FTDALS1). Also called: C9orf72 Frontotemporal Dementia and/or Amyotrophic Lateral Sclerosis; Frontotemporal dementia with motor neuron disease 1. Identifiers: Orphanet 275872, MedGen C5779877, MONDO:0007105, OMIM 105550.
Paget disease of bone 2, early-onset (PDB2). Also called: Paget disease of bone 2. Identifiers: MedGen C4085251, MONDO:0011183, OMIM 602080.

Submissions (3):

Labcorp Genetics (formerly Invitae), Labcorp
Classification: Pathogenic for Paget disease of bone 2, early-onset; Frontotemporal dementia and/or amyotrophic lateral sclerosis 1. Last evaluated: 2025-10-29. Review status: criteria provided, single submitter. Criteria: Invitae Variant Classification Sherloc (09022015). Collection method: clinical testing. Allele origin: germline.
Comment: This sequence change creates a premature translational stop signal (p.Ser275Phefs*17) in the SQSTM1 gene. It is expected to result in an absent or disrupted protein product. Loss-of-function variants in SQSTM1 are known to be pathogenic (PMID: 27545679, 29959261). This variant is present in population databases (no rsID available, gnomAD 0.006%). This premature translational stop signal has been observed in individual(s) with autosomal recessive SQSTM1-related conditions (PMID: 30638816). It has also been observed to segregate with disease in related individuals. ClinVar contains an entry for this variant (Variation ID: 451357). For these reasons, this variant has been classified as Pathogenic.

GeneDx
Classification: Pathogenic. Last evaluated: 2025-10-02. Review status: criteria provided, single submitter. Criteria: GeneDx Variant Classification Process June 2021. Collection method: clinical testing. Allele origin: germline. Affected: yes.
Comment: Frameshift variant predicted to result in protein truncation or nonsense mediated decay in a gene for which loss of function is a known mechanism of disease; Not observed at significant frequency in large population cohorts (gnomAD); This variant is associated with the following publications: (PMID: 31069529, 34544842, 30638816, 33624863, 33135846, 33216222, 34077496, 39719859)

Laboratorio de Genetica e Diagnostico Molecular, Hospital Israelita Albert Einstein
Classification: Pathogenic. Last evaluated: 2020-02-03. Review status: criteria provided, single submitter. Criteria: ACMG Guidelines, 2015. Collection method: clinical testing. Allele origin: germline. Affected: yes.
Comment: ACMG classification criteria: PVS1, PS4, PM2

Literature cited by the submitters: PubMed 27545679 (cited by Labcorp Genetics (formerly Invitae), Labcorp); PubMed 29959261 (cited by Labcorp Genetics (formerly Invitae), Labcorp); PubMed 30638816 (cited by Labcorp Genetics (formerly Invitae), Labcorp).

NM_003900.5(SQSTM1):c.823_824del (p.Ser275fs)

Gene: SQSTM1 (sequestosome 1; plus strand). Cytogenetic location: 5q35.3.
Variant type: Microsatellite.
Coding change: c.823_824del on transcript NM_003900.5 (MANE Select); coding-DNA positions 823 to 824, 2 bases deleted (AG; older notation c.823_824delAG).
Protein change: p.Ser275fs; shifts the reading frame from serine 275.
Molecular consequence: frameshift variant.
Genome position (GRCh38, 1-based): chr5:179,833,100-179,833,101, AG deleted; deleting any 2 consecutive bases within chr5:179,833,096-179,833,101 gives the same sequence; the c. name uses the placement nearest the transcript's 3' end. VCF-style (leftmost placement, unchanged base first): chr5-179833095-CAG-C. GRCh37 (hg19) VCF-style: chr5-179260095-CAG-C.
Other names: c.571_572del, p.Ser191fs (NM_001142298.2, NM_001142299.2); c.567_568del (NM_001142298.2); c.823_824del (NM_003900.4); c.823_824delAG (NM_003900.4); short protein forms S275fs, S191fs.
Identifiers: ClinVar variation 451357 (VCV000451357.9), dbSNP rs1273214757, ClinGen allele CA362451165.